The following is an entry in ClinVar:

ClinVar aggregate classification (germline): Conflicting classifications of pathogenicity. Review status: criteria provided, conflicting classifications (1 of 4 stars). 3 submissions from 3 submitters: Uncertain significance (2); Likely benign (1). Last evaluated 2023-11-30.

Conditions:
Cardiovascular phenotype. Identifiers: MedGen CN230736.

Allele frequency attached by ClinVar (database versions not stated): TOPMed 0.00001; gnomAD exomes 0.00002; ExAC 0.00002.
gnomAD v4.1: 6 of 1,614,230 alleles (0.00037%); highest among the groups gnomAD compares: African/African-American, 0.0053%; no homozygotes.

Submissions (3):

Ambry Genetics
Classification: Likely benign for Cardiovascular phenotype. Last evaluated: 2023-11-30. Review status: criteria provided, single submitter. Criteria: Ambry Variant Classification Scheme 2023. Collection method: clinical testing. Allele origin: germline.

GeneDx
Classification: Uncertain significance. Last evaluated: 2022-06-27. Review status: criteria provided, single submitter. Criteria: GeneDx Variant Classification Process June 2021. Collection method: clinical testing. Allele origin: germline. Affected: yes.
Comment: In silico analysis supports that this missense variant does not alter protein structure/function; Has not been previously published as pathogenic or benign to our knowledge

Eurofins Ntd Llc (ga)
Classification: Uncertain significance. Last evaluated: 2017-01-23. Review status: criteria provided, single submitter. Criteria: EGL Classification Definitions 2015. Collection method: clinical testing. Allele origin: germline. Observed: 1 variant allele, 1 heterozygote.

NM_001378454.1(ALMS1):c.9050A>G (p.Asn3017Ser)

Gene: ALMS1 (ALMS1 centrosome and basal body associated protein; plus strand). Cytogenetic location: 2p13.1.
Variant type: single nucleotide variant.
Coding change: c.9050A>G on transcript NM_001378454.1 (MANE Select); coding-DNA position 9050, A replaced by G.
Protein change: p.Asn3017Ser; replaces asparagine 3017 with serine.
Molecular consequence: missense variant.
Genome position (GRCh38, 1-based): chr2:73,491,009, A>G. VCF-style: chr2-73491009-A-G. GRCh37 (hg19) VCF-style: chr2-73718136-A-G.
Other names: c.9053A>G, p.Asn3018Ser (NM_015120.4); short protein forms N3018S, N3017S.
Identifiers: ClinVar variation 499166 (VCV000499166.7), dbSNP rs768218725, ClinGen allele CA1714594.
Genomic context (GRCh38, chr2:73,491,009, plus strand): 5'-AGAATAATCAACATAAGCCTAAATCACACATTTCTAATATAAATGTTGAAGCCAAGTTCA[A>G]TACTGTGGTCTCCCAGTCAGCCCCAAATCACTGTACATTAGCAGCATCTGCATCTACTCC-3'
Protein context (NP_001365383.1, residues 3007-3027): ISNINVEAKF[Asn3017Ser]TVVSQSAPNH